The following is an entry in ClinVar:

NM_018723.4(RBFOX1):c.1084C>T (p.Pro362Ser)

Gene: RBFOX1 (RNA binding fox-1 homolog 1; plus strand). Cytogenetic location: 16p13.3.
Variant type: single nucleotide variant.
Coding change: c.1084C>T on transcript NM_018723.4 (MANE Select); coding-DNA position 1084, C replaced by T.
Protein change: p.Pro362Ser; replaces proline 362 with serine.
Molecular consequence: missense variant. On other transcripts: 3 prime UTR variant (2), intron variant (1).
Genome position (GRCh38, 1-based): chr16:7,710,635, C>T. VCF-style: chr16-7710635-C-T. GRCh37 (hg19) VCF-style: chr16-7760637-C-T.
Other names: c.1003C>T, p.Pro335Ser (NM_001142333.2); c.1084C>T, p.Pro362Ser (NM_001142334.2); c.*12C>T (NM_001364800.2, NM_001415887.1, NM_001415895.1 and 12 more transcripts); c.1600C>T, p.Pro534Ser (NM_001415888.1); c.*994C>T (NM_001415889.1, NM_001415890.1); c.1213C>T, p.Pro405Ser (NM_001415891.1); c.1192C>T, p.Pro398Ser (NM_001415892.1); c.1159C>T, p.Pro387Ser (NM_001415893.1); and 11 more; short protein forms P360S, P364S, P371S, P387S, P534S, P335S, P356S, P362S.
Identifiers: ClinVar variation 1951271 (VCV001951271.5), dbSNP rs1466309905, ClinGen allele CA394796063.

ClinVar aggregate classification (germline): Uncertain significance (1 of 4 stars; one submission).

Conditions:
Idiopathic generalized epilepsy. Also called: EIG; Generalised epilepsy. Identifiers: MedGen C0270850, MONDO:0005579, OMIM 600669.

Allele frequency attached by ClinVar (database versions not stated): TOPMed below 0.00001.

Submission:

Labcorp Genetics (formerly Invitae), Labcorp
Classification: Uncertain significance for Idiopathic generalized epilepsy. Last evaluated: 2022-10-25. Review status: criteria provided, single submitter. Criteria: Invitae Variant Classification Sherloc (09022015). Collection method: clinical testing. Allele origin: germline.
Comment: In summary, the available evidence is currently insufficient to determine the role of this variant in disease. Therefore, it has been classified as a Variant of Uncertain Significance. Algorithms developed to predict the effect of missense changes on protein structure and function are either unavailable or do not agree on the potential impact of this missense change (SIFT: "Tolerated"; PolyPhen-2: "Probably Damaging"; Align-GVGD: "Class C0"). This variant has not been reported in the literature in individuals affected with RBFOX1-related conditions. This variant is not present in population databases (gnomAD no frequency). This sequence change replaces proline, which is neutral and non-polar, with serine, which is neutral and polar, at codon 383 of the RBFOX1 protein (p.Pro383Ser).